The following is an entry in ClinVar:

ClinVar aggregate classification (germline): Uncertain significance (1 of 4 stars; one submission).

gnomAD v4.1: 1 of 1,614,090 alleles (0.000062%); highest among the groups gnomAD compares: Admixed American, 0.0017%; no homozygotes.

Submission:

Ambry Genetics
Classification: Uncertain significance. Last evaluated: 2024-10-28. Review status: criteria provided, single submitter. Criteria: Ambry Variant Classification Scheme 2023. Collection method: clinical testing. Allele origin: germline.
Comment: The p.P901A variant (also known as c.2701C>G), located in coding exon 13 of the NPAT gene, results from a C to G substitution at nucleotide position 2701. The proline at codon 901 is replaced by alanine, an amino acid with highly similar properties. This amino acid position is conserved. In addition, this alteration is predicted to be tolerated by in silico analysis. Based on the available evidence, the clinical significance of this variant remains unclear.

NM_002519.3(NPAT):c.2701C>G (p.Pro901Ala)

Gene: NPAT (nuclear protein, coactivator of histone transcription; minus strand). Cytogenetic location: 11q22.3.
Variant type: single nucleotide variant.
Coding change: c.2701C>G on transcript NM_002519.3 (MANE Select); coding-DNA position 2701, C replaced by G.
Protein change: p.Pro901Ala; replaces proline 901 with alanine.
Molecular consequence: missense variant.
Genome position (GRCh38, 1-based): chr11:108,172,283, G>C on the plus strand (C>G on the coding strand, the complement: NPAT is on the minus strand). VCF-style: chr11-108172283-G-C. GRCh37 (hg19) VCF-style: chr11-108043010-G-C.
Other names: c.2701C>G, p.Pro901Ala (NM_001321307.1); short protein forms P901A.
Identifiers: ClinVar variation 3407136 (VCV003407136.1).
Genomic context (GRCh38, chr11:108,172,283, plus strand): 5'-CTTGGTTGACAGCAAATACACTGTTTGACCTTGGTGGTGTCTGTAACTGAGGTGGTAGAG[G>C]TTGAGCAGTCATAGGTGCAGAATTTCCAGGCAACACCACTACATTAGACTGACTTACAGA-3'
Protein context (NP_002510.2, residues 891-911): PGNSAPMTAQ[Pro901Ala]LPPQLQTPPR